The following is an entry in ClinVar:

ClinVar aggregate classification (germline): Likely benign (1 of 4 stars; one submission).

Conditions:
Juvenile polyposis/hereditary hemorrhagic telangiectasia syndrome (JPHT). Also called: JP/HHT SYNDROME; JUVENILE POLYPOSIS WITH HEREDITARY HEMORRHAGIC TELANGIECTASIA; POLYPOSIS, GENERALIZED JUVENILE, WITH PULMONARY ARTERIOVENOUS MALFORMATION; TELANGIECTASIA, HEREDITARY HEMORRHAGIC, WITH JUVENILE POLYPOSIS COLI; Juvenile Polyposis Syndrome / Hereditary Hemorrhagic Telangiectasia (JPS/HHT). Identifiers: Orphanet 2929, MedGen C1832942, MONDO:0008278, OMIM 175050.

Submission:

Myriad Genetics, Inc.
Classification: Likely benign for Juvenile polyposis/hereditary hemorrhagic telangiectasia syndrome. Last evaluated: 2025-03-20. Review status: criteria provided, single submitter. Criteria: Myriad Autosomal Dominant, Autosomal Recessive and X-Linked Classification Criteria (2023). Collection method: clinical testing. Allele origin: unknown.
Comment: This variant is considered likely benign. This variant is intronic and is not expected to impact mRNA splicing.

NM_005359.6(SMAD4):c.956-6C>T

Gene: SMAD4 (SMAD family member 4; plus strand). Cytogenetic location: 18q21.2.
Variant type: single nucleotide variant.
Coding change: c.956-6C>T on transcript NM_005359.6 (MANE Select); 6 bases into the intron before coding-DNA position 956, C replaced by T.
Molecular consequence: intron variant.
Genome position (GRCh38, 1-based): chr18:51,065,417, C>T. VCF-style: chr18-51065417-C-T. GRCh37 (hg19) VCF-style: chr18-48591787-C-T.
Other names: c.956-6C>T (NM_001407042.1, NM_001407041.1, NM_001407043.1).
Identifiers: ClinVar variation 3903800 (VCV003903800.1).